The following is an entry in ClinVar:

NM_024675.4(PALB2):c.908T>A (p.Leu303His)

Gene: PALB2 (partner and localizer of BRCA2; minus strand). Cytogenetic location: 16p12.2.
Variant type: single nucleotide variant.
Coding change: c.908T>A on transcript NM_024675.4 (MANE Select); coding-DNA position 908, T replaced by A.
Protein change: p.Leu303His; replaces leucine 303 with histidine.
Molecular consequence: missense variant.
Genome position (GRCh38, 1-based): chr16:23,635,638, A>T on the plus strand (T>A on the coding strand, the complement: PALB2 is on the minus strand). VCF-style: chr16-23635638-A-T. GRCh37 (hg19) VCF-style: chr16-23646959-A-T.
Other names: short protein forms L303H.
Identifiers: ClinVar variation 231920 (VCV000231920.5), dbSNP rs774057025, ClinGen allele CA10580028.

ClinVar aggregate classification (germline): Uncertain significance (1 of 4 stars; one submission).

Conditions:
Hereditary cancer-predisposing syndrome. Also called: Neoplastic Syndromes, Hereditary; Tumor predisposition; Hereditary Cancer Syndrome; Hereditary neoplastic syndrome. Identifiers: Orphanet 140162, MedGen C0027672, MeSH D009386, MONDO:0015356.

Submission:

Ambry Genetics
Classification: Uncertain significance for Hereditary cancer-predisposing syndrome. Last evaluated: 2015-05-19. Review status: criteria provided, single submitter. Criteria: Ambry Variant Classification Scheme 2023. Collection method: clinical testing. Allele origin: germline.
Comment: The p.L303H variant (also known as c.908T>A), located in coding exon 4 of the PALB2 gene, results from a T to A substitution at nucleotide position 908. The leucine at codon 303 is replaced by histidine, an amino acid with similar properties. This variant was not reported in population based cohorts in the following databases: Database of Single Nucleotide Polymorphisms (dbSNP), NHLBI Exome Sequencing Project (ESP), and 1000 Genomes Project. In the ESP, this variant was not observed in 6497 samples (12994 alleles) with coverage at this position. To date, this alteration has been detected with an allele frequency of approximately 0.001% (greater than 70000 alleles tested) in our clinical cohort. This amino acid position is poorly conserved in available vertebrate species. In addition, this alteration is predicted to be possibly damaging and tolerated by PolyPhen and SIFT in silico analyses, respectively. Since supporting evidence is limited at this time, the clinical significance of p.L303H remains unclear.